The following is an entry in ClinVar:

ClinVar aggregate classification (germline): Conflicting classifications of pathogenicity. Review status: criteria provided, conflicting classifications (1 of 4 stars). 2 submissions from 2 submitters: Uncertain significance (1); Likely benign (1). Last evaluated 2024-03-23.

Conditions:
Hereditary cancer-predisposing syndrome. Also called: Neoplastic Syndromes, Hereditary; Hereditary neoplastic syndrome; Hereditary Cancer Syndrome; Tumor predisposition. Identifiers: Orphanet 140162, MedGen C0027672, MeSH D009386, MONDO:0015356.
Familial meningioma. Also called: Meningioma, familial, susceptibility to. Identifiers: Orphanet 263662, MedGen C3551915, MONDO:0011789, OMIM 607174.

Allele frequency attached by ClinVar (database versions not stated): gnomAD exomes below 0.00001.

Submissions (2):

Ambry Genetics
Classification: Likely benign for Hereditary cancer-predisposing syndrome. Last evaluated: 2024-03-23. Review status: criteria provided, single submitter. Criteria: Ambry Variant Classification Scheme 2023. Collection method: clinical testing. Allele origin: germline.

Labcorp Genetics (formerly Invitae), Labcorp
Classification: Uncertain significance for Familial meningioma. Last evaluated: 2023-02-14. Review status: criteria provided, single submitter. Criteria: Invitae Variant Classification Sherloc (09022015). Collection method: clinical testing. Allele origin: germline.
Comment: This sequence change replaces glutamic acid, which is acidic and polar, with valine, which is neutral and non-polar, at codon 321 of the SMARCE1 protein (p.Glu321Val). This variant is not present in population databases (gnomAD no frequency). This variant has not been reported in the literature in individuals affected with SMARCE1-related conditions. Advanced modeling of protein sequence and biophysical properties (such as structural, functional, and spatial information, amino acid conservation, physicochemical variation, residue mobility, and thermodynamic stability) performed at Invitae indicates that this missense variant is not expected to disrupt SMARCE1 protein function. In summary, the available evidence is currently insufficient to determine the role of this variant in disease. Therefore, it has been classified as a Variant of Uncertain Significance.

NM_003079.5(SMARCE1):c.962A>T (p.Glu321Val)

Gene: SMARCE1 (SWI/SNF related BAF chromatin remodeling complex subunit E1; minus strand). Cytogenetic location: 17q21.2.
Variant type: single nucleotide variant.
Coding change: c.962A>T on transcript NM_003079.5 (MANE Select); coding-DNA position 962, A replaced by T.
Protein change: p.Glu321Val; replaces glutamic acid 321 with valine.
Molecular consequence: missense variant.
Genome position (GRCh38, 1-based): chr17:40,630,779, T>A on the plus strand (A>T on the coding strand, the complement: SMARCE1 is on the minus strand). VCF-style: chr17-40630779-T-A. GRCh37 (hg19) VCF-style: chr17-38787031-T-A.
Other names: short protein forms E321V.
Identifiers: ClinVar variation 2968590 (VCV002968590.4), dbSNP rs2508595899, ClinGen allele CA399363418.